The following is an entry in ClinVar:

NM_001291303.3(FAT4):c.556C>T (p.Arg186Cys)

Gene: FAT4 (FAT atypical cadherin 4; plus strand). Cytogenetic location: 4q28.1.
Variant type: single nucleotide variant.
Coding change: c.556C>T on transcript NM_001291303.3 (MANE Select); coding-DNA position 556, C replaced by T.
Protein change: p.Arg186Cys; replaces arginine 186 with cysteine.
Molecular consequence: missense variant.
Genome position (GRCh38, 1-based): chr4:125,316,967, C>T. VCF-style: chr4-125316967-C-T. GRCh37 (hg19) VCF-style: chr4-126238122-C-T.
Other names: c.556C>T, p.Arg186Cys (NM_001291285.3, NM_024582.6); c.556C>T (NM_024582.5); short protein forms R186C.
Identifiers: ClinVar variation 1304262 (VCV001304262.11), dbSNP rs577129552, ClinGen allele CA3071834.

ClinVar aggregate classification (germline): Uncertain significance. Review status: criteria provided, multiple submitters, no conflicts (2 of 4 stars). 5 submissions from 5 submitters: Uncertain significance (5). Last evaluated 2026-06-26.

Conditions:
Inborn genetic diseases. Identifiers: MedGen C0950123, MeSH D030342.
FAT4-related disorder. Also called: FAT4-related condition.
Hennekam lymphangiectasia-lymphedema syndrome 2 (HKLLS2). Identifiers: Orphanet 2136, MedGen C4014939, MONDO:0014454, OMIM 616006.
Van Maldergem syndrome 2 (VMLDS2). Identifiers: Orphanet 314679, MedGen C3809875, MONDO:0014242, OMIM 615546.

Allele frequency attached by ClinVar (database versions not stated): 1000 Genomes Project 30x 0.00016; 1000 Genomes Project 0.00020.
gnomAD v4.1: 45 of 1,613,950 alleles (0.0028%); highest among the groups gnomAD compares: Admixed American, 0.055%; no homozygotes.

Submissions (5):

PreventionGenetics, part of Exact Sciences
Classification: Uncertain significance for FAT4-related condition. Last evaluated: 2026-06-26. Review status: criteria provided, single submitter. Criteria: ACMG Guidelines, 2015. Collection method: clinical testing. Allele origin: germline.
Comment: The FAT4 c.556C>T variant is predicted to result in the amino acid substitution p.Arg186Cys. To our knowledge, this variant has not been reported in the literature. This variant is reported in 0.014% of alleles in individuals of Latino descent in gnomAD. At this time, the clinical significance of this variant is uncertain due to the absence of conclusive functional and genetic evidence.

Labcorp Genetics (formerly Invitae), Labcorp
Classification: Uncertain significance. Last evaluated: 2026-01-24. Review status: criteria provided, single submitter. Criteria: Invitae Variant Classification Sherloc (09022015). Collection method: clinical testing. Allele origin: germline.
Comment: This sequence change replaces arginine, which is basic and polar, with cysteine, which is neutral and slightly polar, at codon 186 of the FAT4 protein (p.Arg186Cys). This variant is present in population databases (rs577129552, gnomAD 0.01%). This variant has not been reported in the literature in individuals affected with FAT4-related conditions. ClinVar contains an entry for this variant (Variation ID: 1304262). Invitae Evidence Modeling of protein sequence and biophysical properties (such as structural, functional, and spatial information, amino acid conservation, physicochemical variation, residue mobility, and thermodynamic stability) indicates that this missense variant is not expected to disrupt FAT4 protein function with a negative predictive value of 95%. In summary, the available evidence is currently insufficient to determine the role of this variant in disease. Therefore, it has been classified as a Variant of Uncertain Significance.

Fulgent Genetics
Classification: Uncertain significance for Van Maldergem syndrome 2; Hennekam lymphangiectasia-lymphedema syndrome 2. Last evaluated: 2024-06-17. Review status: criteria provided, single submitter. Criteria: ACMG Guidelines, 2015. Collection method: clinical testing. Allele origin: germline.

GeneDx
Classification: Uncertain significance. Last evaluated: 2024-05-07. Review status: criteria provided, single submitter. Criteria: GeneDx Variant Classification Process June 2021. Collection method: clinical testing. Allele origin: germline. Affected: yes.
Comment: Not observed at significant frequency in large population cohorts (gnomAD); In silico analysis supports that this missense variant has a deleterious effect on protein structure/function; Has not been previously published as pathogenic or benign to our knowledge

Ambry Genetics
Classification: Uncertain significance for Inborn genetic diseases. Last evaluated: 2023-11-22. Review status: criteria provided, single submitter. Criteria: Ambry Variant Classification Scheme 2023. Collection method: clinical testing. Allele origin: germline.